The following is an entry in ClinVar:

NM_001174147.2(LMX1B):c.790C>T (p.Gln264Ter)

Gene: LMX1B (LIM homeobox transcription factor 1 beta; plus strand). Cytogenetic location: 9q33.3.
Variant type: single nucleotide variant.
Coding change: c.790C>T on transcript NM_001174147.2 (MANE Select); coding-DNA position 790, C replaced by T.
Protein change: p.Gln264Ter; replaces glutamine 264 with a stop codon.
Molecular consequence: nonsense.
Genome position (GRCh38, 1-based): chr9:126,693,572, C>T. VCF-style: chr9-126693572-C-T. GRCh37 (hg19) VCF-style: chr9-129455851-C-T.
Other names: c.790C>T, p.Gln264Ter (NM_001174146.2, NM_002316.4); short protein forms Q264*.
Identifiers: ClinVar variation 4709696 (VCV004709696.1).
Genomic context (GRCh38, chr9:126,693,572, plus strand): 5'-TCTCTGAGCCAGGTCCGAGAGACACTGGCAGCTGAGACGGGCCTCAGTGTGCGCGTGGTC[C>T]AGGTCTGGTTTCAGAACCAAAGAGCAAAGGTAAGAGGCCACCCCCCATCCCCACTGGCCC-3'

ClinVar aggregate classification (germline): Pathogenic (1 of 4 stars; one submission).

Submission:

Labcorp Genetics (formerly Invitae), Labcorp
Classification: Pathogenic. Last evaluated: 2025-05-21. Review status: criteria provided, single submitter. Criteria: Invitae Variant Classification Sherloc (09022015). Collection method: clinical testing. Allele origin: germline.
Comment: This sequence change creates a premature translational stop signal (p.Gln264*) in the LMX1B gene. It is expected to result in an absent or disrupted protein product. Loss-of-function variants in LMX1B are known to be pathogenic (PMID: 9590287, 15498463). This variant is not present in population databases (gnomAD no frequency). This premature translational stop signal has been observed in individual(s) with nail-patella syndrome (PMID: 10571942). This variant is also known as 721C>T. For these reasons, this variant has been classified as Pathogenic.

Literature cited by the submitters: PubMed 9590287; PubMed 15498463; PubMed 10571942.